The following is an entry in ClinVar:

ClinVar aggregate classification (germline): Uncertain significance (1 of 4 stars; one submission).

Allele frequency attached by ClinVar (database versions not stated): gnomAD exomes below 0.00001.
gnomAD v4.1: 1 of 1,612,250 alleles (0.000062%); highest among the groups gnomAD compares: South Asian, 0.0011%; no homozygotes.

Submission:

Labcorp Genetics (formerly Invitae), Labcorp
Classification: Uncertain significance. Last evaluated: 2023-07-18. Review status: criteria provided, single submitter. Criteria: Invitae Variant Classification Sherloc (09022015). Collection method: clinical testing. Allele origin: germline.
Comment: This sequence change replaces glycine, which is neutral and non-polar, with tryptophan, which is neutral and slightly polar, at codon 367 of the TOP1MT protein (p.Gly367Trp). This variant is not present in population databases (gnomAD no frequency). This variant has not been reported in the literature in individuals affected with TOP1MT-related conditions. Advanced modeling of protein sequence and biophysical properties (such as structural, functional, and spatial information, amino acid conservation, physicochemical variation, residue mobility, and thermodynamic stability) performed at Invitae indicates that this missense variant is expected to disrupt TOP1MT protein function. In summary, the available evidence is currently insufficient to determine the role of this variant in disease. Therefore, it has been classified as a Variant of Uncertain Significance.

NM_052963.3(TOP1MT):c.1099G>T (p.Gly367Trp)

Gene: TOP1MT (DNA topoisomerase I mitochondrial; minus strand). Cytogenetic location: 8q24.3.
Variant type: single nucleotide variant.
Coding change: c.1099G>T on transcript NM_052963.3 (MANE Select); coding-DNA position 1099, G replaced by T.
Protein change: p.Gly367Trp; replaces glycine 367 with tryptophan.
Molecular consequence: missense variant.
Genome position (GRCh38, 1-based): chr8:143,321,248, C>A on the plus strand (G>T on the coding strand, the complement: TOP1MT is on the minus strand). VCF-style: chr8-143321248-C-A. GRCh37 (hg19) VCF-style: chr8-144403418-C-A.
Other names: c.805G>T, p.Gly269Trp (NM_001258446.1, NM_001258447.1); short protein forms G269W, G367W.
Identifiers: ClinVar variation 2712034 (VCV002712034.3), dbSNP rs1816333487, ClinGen allele CA372412619.